The following is an entry in ClinVar:

NM_025233.7(COASY):c.1020G>A (p.Met340Ile)

Gene: COASY (Coenzyme A synthase; plus strand). Cytogenetic location: 17q21.2.
Variant type: single nucleotide variant.
Coding change: c.1020G>A on transcript NM_025233.7 (MANE Select); coding-DNA position 1020, G replaced by A.
Protein change: p.Met340Ile; replaces methionine 340 with isoleucine.
Molecular consequence: missense variant.
Genome position (GRCh38, 1-based): chr17:42,564,550, G>A. VCF-style: chr17-42564550-G-A. GRCh37 (hg19) VCF-style: chr17-40716568-G-A.
Other names: c.1020G>A, p.Met340Ile (NM_001042529.3); c.1107G>A, p.Met369Ile (NM_001042532.4); short protein forms M340I, M369I.
Identifiers: ClinVar variation 1925890 (VCV001925890.2), dbSNP rs1000096293, ClinGen allele CA290771873.

ClinVar aggregate classification (germline): Uncertain significance (1 of 4 stars; one submission).

Conditions:
Neurodegeneration with brain iron accumulation 6 (NBIA6). Also called: COASY protein-associated neurodegeneration. Identifiers: Orphanet 397725, MedGen C4517377, MONDO:0014290, OMIM 615643.

gnomAD v4.1: 3 of 1,613,688 alleles (0.00019%); highest among the groups gnomAD compares: Admixed American, 0.005%; no homozygotes.

Submission:

Labcorp Genetics (formerly Invitae), Labcorp
Classification: Uncertain significance for Neurodegeneration with brain iron accumulation 6. Last evaluated: 2022-05-25. Review status: criteria provided, single submitter. Criteria: Invitae Variant Classification Sherloc (09022015). Collection method: clinical testing. Allele origin: germline.
Comment: This sequence change replaces methionine, which is neutral and non-polar, with isoleucine, which is neutral and non-polar, at codon 340 of the COASY protein (p.Met340Ile). This variant is present in population databases (no rsID available, gnomAD 0.006%). This variant has not been reported in the literature in individuals affected with COASY-related conditions. Algorithms developed to predict the effect of missense changes on protein structure and function output the following: SIFT: "Tolerated"; PolyPhen-2: "Benign"; Align-GVGD: "Class C0". The isoleucine amino acid residue is found in multiple mammalian species, which suggests that this missense change does not adversely affect protein function. In summary, the available evidence is currently insufficient to determine the role of this variant in disease. Therefore, it has been classified as a Variant of Uncertain Significance.